The following is an entry in ClinVar:

ClinVar aggregate classification (germline): Likely benign. Review status: criteria provided, multiple submitters, no conflicts (2 of 4 stars). 2 submissions from 2 submitters: Likely benign (2). Last evaluated 2026-07-19.

Conditions:
TRIOBP-related disorder. Also called: TRIOBP-related condition.

Allele frequency attached by ClinVar (database versions not stated): TOPMed 0.00004; gnomAD exomes 0.00019 and 0.00031; ExAC 0.00032; 1000 Genomes Project 30x 0.00109; 1000 Genomes Project 0.00140.
gnomAD v4.1: 267 of 1,486,872 alleles (0.018%); highest among the groups gnomAD compares: South Asian, 0.24%; no homozygotes.

Submissions (2):

PreventionGenetics, part of Exact Sciences
Classification: Likely benign for TRIOBP-related condition. Last evaluated: 2026-07-19. Review status: criteria provided, single submitter. Criteria: ACMG Guidelines, 2015. Collection method: clinical testing. Allele origin: germline.
Comment: This variant is classified as likely benign based on ACMG/AMP sequence variant interpretation guidelines (Richards et al. 2015 PMID: 25741868, with internal and published modifications).

Laboratory for Molecular Medicine, Mass General Brigham Personalized Medicine
Classification: Likely benign. Last evaluated: 2014-08-13. Review status: criteria provided, single submitter. Criteria: LMM Criteria. Collection method: clinical testing. Allele origin: germline. Observed: 1 variant allele.
Comment: Arg408Arg in exon 8 of TRIOBP: This variant is not expected to have clinical sig nificance because it does not alter an amino acid residue, it is not located wit hin the splice consensus sequence, and it has been identified in 1% (2/178) of J apanese chromosomes by the 1000 Genomes Project (dbSNP rs181741158).

NM_001039141.3(TRIOBP):c.6324+191G>A

Gene: TRIOBP (TRIO and F-actin binding protein; plus strand). Cytogenetic location: 22q13.1.
Variant type: single nucleotide variant.
Coding change: c.6324+191G>A on transcript NM_001039141.3 (MANE Select); 191 bases into the intron after coding-DNA position 6324, G replaced by A.
Molecular consequence: intron variant. On other transcripts: synonymous variant (1).
Genome position (GRCh38, 1-based): chr22:37,759,455, G>A. VCF-style: chr22-37759455-G-A. GRCh37 (hg19) VCF-style: chr22-38155462-G-A.
Other names: c.1224G>A, p.Arg408= (NM_138632.2); c.1185+191G>A (NM_007032.5).
Identifiers: ClinVar variation 179866 (VCV000179866.6), dbSNP rs181741158, ClinGen allele CA185302.